The following is an entry in ClinVar:

ClinVar aggregate classification (germline): Pathogenic. Review status: criteria provided, multiple submitters, no conflicts (2 of 4 stars). 6 submissions from 6 submitters: Pathogenic (5). 1 of the submissions does not count toward it. Last evaluated 2024-01-09.

Conditions:
Spinocerebellar ataxia type 19/22 (SCA19). Also called: SPINOCEREBELLAR ATAXIA 19; SPINOCEREBELLAR ATAXIA 22. Identifiers: Orphanet 98772, MedGen C1846367, MONDO:0011819, OMIM 607346.
KCND3-related disorder. Also called: KCND3-related condition.

Submissions (6):

Athena Diagnostics
Classification: Pathogenic. Last evaluated: 2024-01-09. Review status: criteria provided, single submitter. Criteria: Athena Diagnostics Criteria. Collection method: clinical testing. Allele origin: unknown.
Comment: This variant has been identified in multiple unrelated individuals with clinical features associated with this gene. This variant has not been reported in large, multi-ethnic general populations. This variant segregates with disease in multiple families. Assessment of experimental evidence suggests this variant results in abnormal protein function. (PMID: 23280837, 25854634)

Women's Health and Genetics/Laboratory Corporation of America, LabCorp
Classification: Pathogenic for Spinocerebellar ataxia type 19/22. Last evaluated: 2022-06-14. Review status: criteria provided, single submitter. Criteria: LabCorp Variant Classification Summary - May 2015. Collection method: clinical testing. Allele origin: germline.
Comment: Variant summary: KCND3 c.680_682delTCT (p.Phe227del) results in an in-frame deletion that is predicted to remove one amino acid from the Ion transport domain (IPR005821) of the encoded protein. The variant was absent in 250304 control chromosomes. c.680_682delTCT has been reported in the literature to cosegregate with disease in multiple individuals from two independent well genotyped families affected with Spinocerebellar Ataxia Type 22, which overlaps with the locus of Spinocerebellar Ataxia Type 19 (example, Lee_2012). It has also been reported among pathogenic variants identified in at-least one individual within a cohort of individuals undergoing next-generation sequencing (NGS) analysis for Herediatry Ataxia's (example, Galatolo_2021). These data indicate that the variant is very likely to be associated with disease. At least one publication reports experimental evidence evaluating an impact on protein function (Lee_2012). The most pronounced variant effect results in low current densities by electrophysiological recordings and intracellular retention, suggesting that p.F227del causes a loss of channel function by interfering with proper plasma membrane targeting and incorporation into a functional tetrameric channel complex. Two clinical diagnostic laboratories have submitted clinical-significance assessments for this variant to ClinVar after 2014 without evidence for independent evaluation. All laboratories classified the variant as pathogenic. Based on the evidence outlined above, the variant was classified as pathogenic.

Blueprint Genetics
Classification: Pathogenic for KCND3-related disorders. Last evaluated: 2021-01-18. Review status: criteria provided, single submitter. Criteria: ACMG Guidelines, 2015. Collection method: clinical testing. Allele origin: germline. Affected: yes. Observed: 2 variant alleles.

Molecular Medicine for Neurodegenerative and Neuromuscular Diseases Unit, IRCCS Fondazione Stella Maris
Classification: Pathogenic for Spinocerebellar ataxia type 19/22. Last evaluated: 2021-01-04. Review status: criteria provided, single submitter. Criteria: ACMG Guidelines, 2015. Collection method: research. Allele origin: unknown. Affected: yes.

Institute of Medical Genetics and Applied Genomics, University Hospital Tübingen
Classification: Pathogenic. Last evaluated: 2020-10-23. Review status: criteria provided, single submitter. Criteria: ACMG Guidelines, 2015. Collection method: clinical testing. Allele origin: germline. Inheritance: Unknown mechanism. Affected: yes.

OMIM
Classification: Pathogenic for SPINOCEREBELLAR ATAXIA 19. Last evaluated: 2012-12-01. Review status: no assertion criteria provided. Collection method: literature only. Allele origin: germline. Not counted in ClinVar's aggregate classification.

Literature cited by the submitters: PubMed 34445196 (cited by Athena Diagnostics and Women's Health and Genetics/Laboratory Corporation of America, LabCorp); PubMed 28947073 (cited by Athena Diagnostics and OMIM); PubMed 23280837 (cited by 3 submitters); PubMed 36530930 (cited by Athena Diagnostics); PubMed 25854634 (cited by Athena Diagnostics); PubMed 31293010 (cited by Athena Diagnostics); PubMed 12764052 (cited by OMIM).

NM_001378969.1(KCND3):c.677TCT[1] (p.Phe227del)

Gene: KCND3 (potassium voltage-gated channel subfamily D member 3; minus strand). Cytogenetic location: 1p13.2.
Variant type: Microsatellite.
Coding change: c.677TCT[1] on transcript NM_001378969.1 (MANE Select); one copy of the 3-base unit TCT starting at c.677; the reference has two copies in a row; one copy, 3 bases deleted.
Protein change: p.Phe227del; deletes phenylalanine 227.
Molecular consequence: inframe deletion.
Genome position (GRCh38, 1-based): chr1:111,982,045-111,982,047, AGA deleted on the plus strand (TCT on the coding strand, the reverse complement: KCND3 is on the minus strand); deleting any 3 consecutive bases within chr1:111,982,045-111,982,052 gives the same sequence; the position shown is the placement nearest the transcript's 3' end. VCF-style (leftmost placement, unchanged base first): chr1-111982044-CAGA-C. GRCh37 (hg19) VCF-style: chr1-112524666-CAGA-C.
Other names: c.680_682del (NM_004980.4); c.677TCT[1], p.Phe227del (NM_001378970.1, NM_004980.5, NM_172198.3); short protein forms F227del.
Identifiers: ClinVar variation 66061 (VCV000066061.9), dbSNP rs397515475, ClinGen allele CA264789.
Genomic context (GRCh38, chr1:111,982,044, plus strand): 5'-GCCGCGAAGAGCCGCAGGAGGTACTCCACGGTGAAGATCATGACGCACGCCGTGTCCAGG[CAGA>C]AGAAGGCCACCGAGTAGCGCTCCCCGCACGGCAGCTCCTTGCTGCCCGGGACCGTGCCGC-3'